The following is an entry in ClinVar:

ClinVar aggregate classification (germline): Uncertain significance. Review status: criteria provided, multiple submitters, no conflicts (2 of 4 stars). 2 submissions from 2 submitters: Uncertain significance (2). Last evaluated 2025-03-17.

Conditions:
Cardiovascular phenotype. Identifiers: MedGen CN230736.

Allele frequency attached by ClinVar (database versions not stated): TOPMed below 0.00001; gnomAD 0.00001.
gnomAD v4.1: 1 of 1,613,332 alleles (0.000062%); highest among the groups gnomAD compares: Non-Finnish European, 0.000085%; no homozygotes.

Submissions (2):

GeneDx
Classification: Uncertain significance. Last evaluated: 2025-03-17. Review status: criteria provided, single submitter. Criteria: GeneDx Variant Classification Process June 2021. Collection method: clinical testing. Allele origin: germline. Affected: yes.
Comment: Not observed at significant frequency in large population cohorts (gnomAD); In silico analysis indicates that this missense variant does not alter protein structure/function; Has not been previously published as pathogenic or benign to our knowledge

Ambry Genetics
Classification: Uncertain significance for Cardiovascular phenotype. Last evaluated: 2023-07-27. Review status: criteria provided, single submitter. Criteria: Ambry Variant Classification Scheme 2023. Collection method: clinical testing. Allele origin: germline.
Comment: The p.L192V variant (also known as c.574C>G), located in coding exon 4 of the EPHB4 gene, results from a C to G substitution at nucleotide position 574. The leucine at codon 192 is replaced by valine, an amino acid with highly similar properties. This amino acid position is conserved. In addition, this alteration is predicted to be tolerated by in silico analysis. Since supporting evidence is limited at this time, the clinical significance of this alteration remains unclear.

NM_004444.5(EPHB4):c.574C>G (p.Leu192Val)

Gene: EPHB4 (EPH receptor B4; minus strand). Cytogenetic location: 7q22.1.
Variant type: single nucleotide variant.
Coding change: c.574C>G on transcript NM_004444.5 (MANE Select); coding-DNA position 574, C replaced by G.
Protein change: p.Leu192Val; replaces leucine 192 with valine.
Molecular consequence: missense variant.
Genome position (GRCh38, 1-based): chr7:100,822,505, G>C on the plus strand (C>G on the coding strand, the complement: EPHB4 is on the minus strand). VCF-style: chr7-100822505-G-C. GRCh37 (hg19) VCF-style: chr7-100420127-G-C.
Other names: short protein forms L192V.
Identifiers: ClinVar variation 2626723 (VCV002626723.3), dbSNP rs1183479782, ClinGen allele CA368581292.
Genomic context (GRCh38, chr7:100,822,505, plus strand): 5'-GCACAGTCTCCGGGAATCGAGTCAGGTTCACAGTCAGCTGGGCGCACTTTTTGTAGAAGA[G>C]GTGCAGGGATAGCAGGGCCATGCAGGCACCCTGGTCCTGGAAGGCCAGGTAGAAGCCAGC-3'
Protein context (NP_004435.3, residues 182-202): GACMALLSLH[Leu192Val]FYKKCAQLTV